The following is an entry in ClinVar:

NM_015261.3(NCAPD3):c.2971G>A (p.Asp991Asn)

Gene: NCAPD3 (non-SMC condensin II complex subunit D3; minus strand). Cytogenetic location: 11q25.
Variant type: single nucleotide variant.
Coding change: c.2971G>A on transcript NM_015261.3 (MANE Select); coding-DNA position 2971, G replaced by A.
Protein change: p.Asp991Asn; replaces aspartic acid 991 with asparagine.
Molecular consequence: missense variant.
Genome position (GRCh38, 1-based): chr11:134,177,269, C>T on the plus strand (G>A on the coding strand, the complement: NCAPD3 is on the minus strand). VCF-style: chr11-134177269-C-T. GRCh37 (hg19) VCF-style: chr11-134047164-C-T.
Other names: c.2971G>A, p.Asp991Asn (NM_001372065.1, NM_001372068.1); c.2557G>A, p.Asp853Asn (NM_001372069.1, NM_001372070.1); short protein forms D853N, D991N.
Identifiers: ClinVar variation 5000563 (VCV005000563.1).
Genomic context (GRCh38, chr11:134,177,269, plus strand): 5'-CCCTACGCACCTGCAAGAGATTGGTAAGCAAGATGAGTGTCTGCTTCCGGATGAATGGGT[C>T]GGAATCCTTCAGACACATGGAGATGTTGGGAATATACTTGTCCACCATGATGGTGTAGCG-3'
Protein context (NP_056076.1, residues 981-1001): PNISMCLKDS[Asp991Asn]PFIRKQTLIL

ClinVar aggregate classification (germline): Uncertain significance (1 of 4 stars; one submission).

Conditions:
NCAPD3-related disorder. Also called: NCAPD3-related condition.

gnomAD v4.1: 7 of 1,614,186 alleles (0.00043%); highest among the groups gnomAD compares: Middle Eastern, 0.017%; no homozygotes.

Submission:

PreventionGenetics, part of Exact Sciences
Classification: Uncertain significance for NCAPD3-related condition. Last evaluated: 2025-09-23. Review status: criteria provided, single submitter. Criteria: ACMG Guidelines, 2015. Collection method: clinical testing. Allele origin: germline.
Comment: The NCAPD3 c.2971G>A variant is predicted to result in the amino acid substitution p.Asp991Asn. To our knowledge, this variant has not been reported in the literature. This variant is reported in 0.00088% of alleles in individuals of European (Non-Finnish) descent in gnomAD. At this time, the clinical significance of this variant is uncertain due to the absence of conclusive functional and genetic evidence.